The following is an entry in ClinVar:

ClinVar aggregate classification (germline): Uncertain significance. Review status: criteria provided, multiple submitters, no conflicts (2 of 4 stars). 2 submissions from 2 submitters: Uncertain significance (2). Last evaluated 2025-10-09.

Conditions:
Inborn genetic diseases. Identifiers: MedGen C0950123, MeSH D030342.

gnomAD v4.1: 1 of 1,614,198 alleles (0.000062%); highest among the groups gnomAD compares: Admixed American, 0.0017%; no homozygotes.

Submissions (2):

Ambry Genetics
Classification: Uncertain significance for Inborn genetic diseases. Last evaluated: 2025-10-09. Review status: criteria provided, single submitter. Criteria: Ambry Variant Classification Scheme 2023. Collection method: clinical testing. Allele origin: germline.
Comment: The p.E1394V variant (also known as c.4181A>T), located in coding exon 13 of the ASXL1 gene, results from an A to T substitution at nucleotide position 4181. The glutamic acid at codon 1394 is replaced by valine, an amino acid with dissimilar properties. This amino acid position is conserved. In addition, this alteration is predicted to be tolerated by in silico analysis. Based on the available evidence, the clinical significance of this variant remains unclear.

Labcorp Genetics (formerly Invitae), Labcorp
Classification: Uncertain significance. Last evaluated: 2025-01-03. Review status: criteria provided, single submitter. Criteria: Invitae Variant Classification Sherloc (09022015). Collection method: clinical testing. Allele origin: germline.
Comment: This sequence change replaces glutamic acid, which is acidic and polar, with valine, which is neutral and non-polar, at codon 1394 of the ASXL1 protein (p.Glu1394Val). This variant is present in population databases (no rsID available, gnomAD 0.003%). This variant has not been reported in the literature in individuals affected with ASXL1-related conditions. An algorithm developed to predict the effect of missense changes on protein structure and function (PolyPhen-2) suggests that this variant is likely to be disruptive. In summary, the available evidence is currently insufficient to determine the role of this variant in disease. Therefore, it has been classified as a Variant of Uncertain Significance.

NM_015338.6(ASXL1):c.4181A>T (p.Glu1394Val)

Gene: ASXL1 (ASXL transcriptional regulator 1; plus strand). Cytogenetic location: 20q11.21.
Variant type: single nucleotide variant.
Coding change: c.4181A>T on transcript NM_015338.6 (MANE Select); coding-DNA position 4181, A replaced by T.
Protein change: p.Glu1394Val; replaces glutamic acid 1394 with valine.
Molecular consequence: missense variant.
Genome position (GRCh38, 1-based): chr20:32,436,893, A>T. VCF-style: chr20-32436893-A-T. GRCh37 (hg19) VCF-style: chr20-31024696-A-T.
Other names: c.3998A>T, p.Glu1333Val (NM_001363734.1); short protein forms E1333V, E1394V.
Identifiers: ClinVar variation 3718456 (VCV003718456.3).
Genomic context (GRCh38, chr20:32,436,893, plus strand): 5'-TGGGGGGTCCTCTTAAGGCAAATGCCGAGAACAGGAAAGCTACTGGGCATAGTCCCCTGG[A>T]ACTGGTGGGTCACTTGGAAGGGATGCCCTTTGTCATGGACTTGCCCTTCTGGAAATTACC-3'
Protein context (NP_056153.2, residues 1384-1404): NRKATGHSPL[Glu1394Val]LVGHLEGMPF